The following is an entry in ClinVar:

ClinVar aggregate classification (germline): Pathogenic (1 of 4 stars; one submission).

Conditions:
Hereditary cancer-predisposing syndrome. Also called: Neoplastic Syndromes, Hereditary; Tumor predisposition; Hereditary Cancer Syndrome; Hereditary neoplastic syndrome. Identifiers: Orphanet 140162, MedGen C0027672, MeSH D009386, MONDO:0015356.

Submission:

Ambry Genetics
Classification: Pathogenic for Hereditary cancer-predisposing syndrome. Last evaluated: 2026-03-18. Review status: criteria provided, single submitter. Criteria: Ambry Variant Classification Scheme 2023. Collection method: clinical testing. Allele origin: germline.
Comment: The c.364_367delGAGAinsAAG pathogenic mutation, located in coding exon 2 of the MSH6 gene, results from the deletion of 4 nucleotides and insertion of 3 nucleotides causing a translational frameshift with a predicted alternate stop codon (p.E122Kfs*27). This variant is considered to be rare based on population cohorts in the Genome Aggregation Database (gnomAD). This variant is expected to result in loss of function by premature protein truncation or nonsense-mediated mRNA decay. As such, this alteration is interpreted as a disease-causing mutation.

NM_000179.3(MSH6):c.364_367delinsAAG (p.Glu122fs)

Gene: MSH6 (mutS homolog 6; plus strand). Cytogenetic location: 2p16.3.
Variant type: Indel.
Coding change: c.364_367delinsAAG on transcript NM_000179.3 (MANE Select); coding-DNA positions 364 to 367, GAGA replaced by AAG.
Protein change: p.Glu122fs; shifts the reading frame from glutamic acid 122.
Molecular consequence: frameshift variant. On other transcripts: 5 prime UTR variant (7), non-coding transcript variant (5), intron variant (6).
Genome position (GRCh38, 1-based): chr2:47,791,030-47,791,033, GAGA replaced by AAG. VCF-style: chr2-47791030-GAGA-AAG. GRCh37 (hg19) VCF-style: chr2-48018169-GAGA-AAG.
Other names: c.364_367delinsAAG, p.Glu122fs (NM_001406796.1, NM_001406798.1, NM_001406800.1 and 6 more transcripts); c.67_70delinsAAG, p.Glu23fs (NM_001406797.1, NM_001406801.1, NM_001406805.1 and 10 more transcripts); c.460_463delinsAAG, p.Glu154fs (NM_001406802.1, NM_001406795.1); c.286_289delinsAAG, p.Glu96fs (NM_001406804.1); c.-565_-562delinsAAG (NM_001406807.1); c.-373_-370delinsAAG (NM_001406811.1, NM_001406823.1, NM_001406829.1 and 1 more transcripts); c.-631_-628delinsAAG (NM_001406814.1); c.196_199delinsAAG, p.Glu66fs (NM_001406826.1); and 6 more; short protein forms E122fs, E154fs, E23fs, E66fs, E96fs.
Identifiers: ClinVar variation 4860370 (VCV004860370.1).